The following is an entry in ClinVar:

ClinVar aggregate classification (germline): Uncertain significance (1 of 4 stars; one submission).

Submission:

Ambry Genetics
Classification: Uncertain significance. Last evaluated: 2023-11-23. Review status: criteria provided, single submitter. Criteria: Ambry Variant Classification Scheme 2023. Collection method: clinical testing. Allele origin: germline.
Comment: The p.Q671R variant (also known as c.2012A>G), located in coding exon 20 of the KIF1B gene, results from an A to G substitution at nucleotide position 2012. The glutamine at codon 671 is replaced by arginine, an amino acid with highly similar properties. This amino acid position is conserved. In addition, the in silico prediction for this alteration is inconclusive. Since supporting evidence is limited at this time, the clinical significance of this alteration remains unclear.

NM_001365951.3(KIF1B):c.2150A>G (p.Gln717Arg)

Gene: KIF1B (kinesin family member 1B; plus strand). Cytogenetic location: 1p36.22.
Variant type: single nucleotide variant.
Coding change: c.2150A>G on transcript NM_001365951.3 (MANE Select); coding-DNA position 2150, A replaced by G.
Protein change: p.Gln717Arg; replaces glutamine 717 with arginine.
Molecular consequence: missense variant.
Genome position (GRCh38, 1-based): chr1:10,320,077, A>G. VCF-style: chr1-10320077-A-G. GRCh37 (hg19) VCF-style: chr1-10380135-A-G.
Other names: c.2150A>G, p.Gln717Arg (NM_001365952.1); c.2012A>G, p.Gln671Arg (NM_015074.3); short protein forms Q671R, Q717R.
Identifiers: ClinVar variation 3226380 (VCV003226380.1), dbSNP rs2521594444, ClinGen allele CA338332310.